The following is an entry in ClinVar:

ClinVar aggregate classification (germline): Uncertain significance (1 of 4 stars; one submission).

Conditions:
Diamond-Blackfan anemia. Also called: Blackfan Diamond syndrome; Aregenerative anemia chronic congenital; Red cell aplasia, pure hereditary; Congenital hypoplastic anemia; Aase syndrome. Identifiers: Orphanet 124, MedGen C1260899, MeSH D029503, MONDO:0015253, HP:0004810.

Allele frequency attached by ClinVar (database versions not stated): TOPMed below 0.00001; gnomAD exomes below 0.00001.
gnomAD v4.1: 1 of 1,611,848 alleles (0.000062%); highest among the groups gnomAD compares: East Asian, 0.0022%; no homozygotes.

Submission:

Labcorp Genetics (formerly Invitae), Labcorp
Classification: Uncertain significance for Diamond-Blackfan anemia. Last evaluated: 2023-07-26. Review status: criteria provided, single submitter. Criteria: Invitae Variant Classification Sherloc (09022015). Collection method: clinical testing. Allele origin: germline.
Comment: ClinVar contains an entry for this variant (Variation ID: 2043156). This variant has not been reported in the literature in individuals affected with RPL5-related conditions. This variant is not present in population databases (gnomAD no frequency). This sequence change replaces threonine, which is neutral and polar, with isoleucine, which is neutral and non-polar, at codon 232 of the RPL5 protein (p.Thr232Ile). Advanced modeling of protein sequence and biophysical properties (such as structural, functional, and spatial information, amino acid conservation, physicochemical variation, residue mobility, and thermodynamic stability) performed at Invitae indicates that this missense variant is not expected to disrupt RPL5 protein function. In summary, the available evidence is currently insufficient to determine the role of this variant in disease. Therefore, it has been classified as a Variant of Uncertain Significance.

NM_000969.5(RPL5):c.695C>T (p.Thr232Ile)

Genes: DIPK1A (divergent protein kinase domain 1A; minus strand), RPL5 (ribosomal protein L5; plus strand). Cytogenetic location: 1p22.1.
Variant type: single nucleotide variant.
Coding change: c.695C>T on transcript NM_000969.5 (MANE Select); coding-DNA position 695, C replaced by T.
Protein change: p.Thr232Ile; replaces threonine 232 with isoleucine.
Molecular consequence: missense variant. On other transcripts: non-coding transcript variant (1), intron variant (1).
Genome position (GRCh38, 1-based): chr1:92,837,623, C>T. VCF-style: chr1-92837623-C-T. GRCh37 (hg19) VCF-style: chr1-93303180-C-T.
Other names: c.475-4589G>A (NM_001252273.2); short protein forms T232I.
Identifiers: ClinVar variation 2043156 (VCV002043156.3), dbSNP rs1457060815, ClinGen allele CA341243151.